The following is an entry in ClinVar:

NM_182931.3(KMT2E):c.4382A>G (p.Gln1461Arg)

Gene: KMT2E (lysine methyltransferase 2E (inactive); plus strand). Cytogenetic location: 7q22.3.
Variant type: single nucleotide variant.
Coding change: c.4382A>G on transcript NM_182931.3 (MANE Select); coding-DNA position 4382, A replaced by G.
Protein change: p.Gln1461Arg; replaces glutamine 1461 with arginine.
Molecular consequence: missense variant.
Genome position (GRCh38, 1-based): chr7:105,112,138, A>G. VCF-style: chr7-105112138-A-G. GRCh37 (hg19) VCF-style: chr7-104752585-A-G.
Other names: c.4256A>G, p.Gln1419Arg (NM_001410908.1); c.4382A>G, p.Gln1461Arg (NM_018682.4); short protein forms Q1419R, Q1461R.
Identifiers: ClinVar variation 3716184 (VCV003716184.2).

ClinVar aggregate classification (germline): Uncertain significance (1 of 4 stars; one submission).

gnomAD v4.1: 7 of 1,614,054 alleles (0.00043%); highest among the groups gnomAD compares: African/African-American, 0.0053%; no homozygotes.

Submission:

Labcorp Genetics (formerly Invitae), Labcorp
Classification: Uncertain significance. Last evaluated: 2024-07-11. Review status: criteria provided, single submitter. Criteria: Invitae Variant Classification Sherloc (09022015). Collection method: clinical testing. Allele origin: germline.
Comment: This sequence change replaces glutamine, which is neutral and polar, with arginine, which is basic and polar, at codon 1461 of the KMT2E protein (p.Gln1461Arg). This variant is present in population databases (rs542283918, gnomAD 0.007%). This variant has not been reported in the literature in individuals affected with KMT2E-related conditions. Advanced modeling of protein sequence and biophysical properties (such as structural, functional, and spatial information, amino acid conservation, physicochemical variation, residue mobility, and thermodynamic stability) performed at Invitae indicates that this missense variant is not expected to disrupt KMT2E protein function with a negative predictive value of 80%. In summary, the available evidence is currently insufficient to determine the role of this variant in disease. Therefore, it has been classified as a Variant of Uncertain Significance.